The following is an entry in ClinVar:

ClinVar aggregate classification (germline): Uncertain significance (1 of 4 stars; one submission).

Conditions:
Melnick-Fraser syndrome (BOR). Also called: Branchio-oto-renal syndrome; Branchiootorenal Syndrome (BORS); Branchiootorenal syndrome. Identifiers: Orphanet 107, MedGen C0265234, MONDO:0007029.

Submission:

Labcorp Genetics (formerly Invitae), Labcorp
Classification: Uncertain significance for Melnick-Fraser syndrome. Last evaluated: 2024-11-05. Review status: criteria provided, single submitter. Criteria: Invitae Variant Classification Sherloc (09022015). Collection method: clinical testing. Allele origin: germline.
Comment: This sequence change replaces alanine, which is neutral and non-polar, with threonine, which is neutral and polar, at codon 416 of the EYA1 protein (p.Ala416Thr). This variant is not present in population databases (gnomAD no frequency). This variant has not been reported in the literature in individuals affected with EYA1-related conditions. ClinVar contains an entry for this variant (Variation ID: 2741006). Invitae Evidence Modeling of protein sequence and biophysical properties (such as structural, functional, and spatial information, amino acid conservation, physicochemical variation, residue mobility, and thermodynamic stability) indicates that this missense variant is not expected to disrupt EYA1 protein function with a negative predictive value of 80%. In summary, the available evidence is currently insufficient to determine the role of this variant in disease. Therefore, it has been classified as a Variant of Uncertain Significance.

NM_000503.6(EYA1):c.1246G>A (p.Ala416Thr)

Gene: EYA1 (EYA transcriptional coactivator and phosphatase 1; minus strand). Cytogenetic location: 8q13.3.
Variant type: single nucleotide variant.
Coding change: c.1246G>A on transcript NM_000503.6 (MANE Select); coding-DNA position 1246, G replaced by A.
Protein change: p.Ala416Thr; replaces alanine 416 with threonine.
Molecular consequence: missense variant.
Genome position (GRCh38, 1-based): chr8:71,216,806, C>T on the plus strand (G>A on the coding strand, the complement: EYA1 is on the minus strand). VCF-style: chr8-71216806-C-T. GRCh37 (hg19) VCF-style: chr8-72129041-C-T.
Other names: c.1228G>A, p.Ala410Thr (NM_001288574.2, NM_172059.5); c.880G>A, p.Ala294Thr (NM_001288575.2); c.1333G>A, p.Ala445Thr (NM_001370333.1); c.1246G>A, p.Ala416Thr (NM_001370334.1, NM_001370335.1, NM_172058.4); c.1225G>A, p.Ala409Thr (NM_001370336.1); c.1147G>A, p.Ala383Thr (NM_001411797.1, NM_172060.4); short protein forms A294T, A410T, A445T, A383T, A409T, A416T.
Identifiers: ClinVar variation 2741006 (VCV002741006.3), dbSNP rs2537300321, ClinGen allele CA371466807.